The following is an entry in ClinVar:

ClinVar aggregate classification (germline): Likely pathogenic (1 of 4 stars; one submission).

Conditions:
Abnormal dental morphology. Also called: Abnormality of dental morphology. Identifiers: MedGen C0040427, HP:0006482.

Submission:

Clinical Genetics Laboratory, Skane University Hospital Lund
Classification: Likely pathogenic for Abnormal dental morphology. Last evaluated: 2026-08-26. Review status: criteria provided, single submitter. Criteria: ACMG Guidelines, 2015. Collection method: clinical testing. Allele origin: germline. Affected: yes.
Comment: ACMG criteria used: PVS1, PM2.

NM_002336.3(LRP6):c.2464+2T>C

Gene: LRP6 (LDL receptor related protein 6; minus strand). Cytogenetic location: 12p13.2.
Variant type: single nucleotide variant.
Coding change: c.2464+2T>C on transcript NM_002336.3 (MANE Select); the canonical splice donor site of the intron after coding-DNA position 2464, T replaced by C.
Molecular consequence: splice donor variant.
Genome position (GRCh38, 1-based): chr12:12,159,778, A>G on the plus strand (T>C on the coding strand, the complement: LRP6 is on the minus strand). VCF-style: chr12-12159778-A-G. GRCh37 (hg19) VCF-style: chr12-12312712-A-G.
Other names: c.2464+2T>C (NM_001414245.1, NM_001414251.1, NM_001414246.1 and 4 more transcripts); c.2011+2T>C (NM_001414253.1, NM_001414252.1, NM_001414254.1); c.2266+2T>C (NM_001414247.1); c.1957+2T>C (NM_001414255.1).
Identifiers: ClinVar variation 5010278 (VCV005010278.1).